The following is an entry in ClinVar:

NM_031418.4(ANO3):c.2090T>A (p.Val697Asp)

Gene: ANO3 (anoctamin 3; plus strand). Cytogenetic location: 11p14.2.
Variant type: single nucleotide variant.
Coding change: c.2090T>A on transcript NM_031418.4 (MANE Select); coding-DNA position 2090, T replaced by A.
Protein change: p.Val697Asp; replaces valine 697 with aspartic acid.
Molecular consequence: missense variant.
Genome position (GRCh38, 1-based): chr11:26,639,190, T>A. VCF-style: chr11-26639190-T-A. GRCh37 (hg19) VCF-style: chr11-26660737-T-A.
Other names: c.2273T>A, p.Val758Asp (NM_001313726.2); c.1652T>A, p.Val551Asp (NM_001313727.2); short protein forms V551D, V697D, V758D.
Identifiers: ClinVar variation 3251964 (VCV003251964.1), dbSNP rs2538999445.

ClinVar aggregate classification (germline): Uncertain significance (1 of 4 stars; one submission).

Conditions:
Dystonia 24 (DYT24). Also called: DYT-ANO3. Identifiers: Orphanet 420485, MedGen C3554374, MONDO:0014019, OMIM 615034.

Submission:

Diagnostics Services (NGS), CSIR - Centre For Cellular And Molecular Biology
Classification: Uncertain significance for Dystonia 24. Last evaluated: 2024-04-18. Review status: criteria provided, single submitter. Criteria: ACMG Guidelines, 2015. Collection method: clinical testing. Allele origin: unknown. Affected: yes. Observed: 1 variant allele, 1 heterozygote.
Comment: The c.2090T>A variant is not present in any publicly available population databases like 1000 Genomes, EVS, ExAC, gnomAD, Indian Exome Database or our in-house exome. This variant has neither been reported published in the literature with ANO3-related conditions nor reported to the clinical databases like ClinVar, Human Genome Mutation Database (HGMD) or OMIM, in any affected individuals. In-silico pathogenicity prediction programs like SIFT, PolyPhen-2, MutationTaster2, CADD, etc predicted the c.2090T>A variant to be likely deleterious, however these predictions were not confirmed by published functional studies.